The following is an entry in ClinVar:

ClinVar aggregate classification (germline): Uncertain significance (1 of 4 stars; one submission).

Submission:

Labcorp Genetics (formerly Invitae), Labcorp
Classification: Uncertain significance. Last evaluated: 2025-04-17. Review status: criteria provided, single submitter. Criteria: Invitae Variant Classification Sherloc (09022015). Collection method: clinical testing. Allele origin: germline.
Comment: This sequence change replaces glycine, which is neutral and non-polar, with aspartic acid, which is acidic and polar, at codon 323 of the MAP3K8 protein (p.Gly323Asp). This variant is not present in population databases (gnomAD no frequency). This variant has not been reported in the literature in individuals affected with MAP3K8-related conditions. An algorithm developed to predict the effect of missense changes on protein structure and function (PolyPhen-2) suggests that this variant is likely to be disruptive. In summary, the available evidence is currently insufficient to determine the role of this variant in disease. Therefore, it has been classified as a Variant of Uncertain Significance.

NM_005204.4(MAP3K8):c.968G>A (p.Gly323Asp)

Gene: MAP3K8 (mitogen-activated protein kinase kinase kinase 8; plus strand). Cytogenetic location: 10p11.23.
Variant type: single nucleotide variant.
Coding change: c.968G>A on transcript NM_005204.4 (MANE Select); coding-DNA position 968, G replaced by A.
Protein change: p.Gly323Asp; replaces glycine 323 with aspartic acid.
Molecular consequence: missense variant.
Genome position (GRCh38, 1-based): chr10:30,458,178, G>A. VCF-style: chr10-30458178-G-A. GRCh37 (hg19) VCF-style: chr10-30747107-G-A.
Other names: c.968G>A, p.Gly323Asp (NM_001244134.1, NM_001320961.2); short protein forms G323D.
Identifiers: ClinVar variation 4717806 (VCV004717806.1).